The following is an entry in ClinVar:

ClinVar aggregate classification (germline): Benign (1 of 4 stars; one submission).

Allele frequency attached by ClinVar (database versions not stated): gnomAD exomes 0.00202; gnomAD 0.01661 and 0.01783; 1000 Genomes Project 0.01757; 1000 Genomes Project 30x 0.01858; TOPMed 0.01909.
gnomAD v4.1: 3,829 of 764,440 alleles (0.5%); highest among the groups gnomAD compares: African/African-American, 5.8%; 105 homozygotes.

Submission:

GeneDx
Classification: Benign. Last evaluated: 2018-06-14. Review status: criteria provided, single submitter. Criteria: GeneDx Variant Classification (06012015). Collection method: clinical testing. Allele origin: germline. Affected: yes.
Comment: This variant is considered likely benign or benign based on one or more of the following criteria: it is a conservative change, it occurs at a poorly conserved position in the protein, it is predicted to be benign by multiple in silico algorithms, and/or has population frequency not consistent with disease.

NM_005506.4(SCARB2):c.117+115G>A

Gene: SCARB2 (scavenger receptor class B member 2; minus strand). Cytogenetic location: 4q21.1.
Variant type: single nucleotide variant.
Coding change: c.117+115G>A on transcript NM_005506.4 (MANE Select); 115 bases into the intron after coding-DNA position 117, G replaced by A.
Molecular consequence: intron variant.
Genome position (GRCh38, 1-based): chr4:76,213,312, C>T on the plus strand (G>A on the coding strand, the complement: SCARB2 is on the minus strand). VCF-style: chr4-76213312-C-T. GRCh37 (hg19) VCF-style: chr4-77134465-C-T.
Other names: c.117+115G>A (NM_001204255.2).
Identifiers: ClinVar variation 675153 (VCV000675153.1), dbSNP rs150247097, ClinGen allele CA11803212.